The following is an entry in ClinVar:

NM_001184.4(ATR):c.1217A>G (p.Glu406Gly)

Gene: ATR (ATR checkpoint kinase; minus strand). Cytogenetic location: 3q23.
Variant type: single nucleotide variant.
Coding change: c.1217A>G on transcript NM_001184.4 (MANE Select); coding-DNA position 1217, A replaced by G.
Protein change: p.Glu406Gly; replaces glutamic acid 406 with glycine.
Molecular consequence: missense variant.
Genome position (GRCh38, 1-based): chr3:142,561,375, T>C on the plus strand (A>G on the coding strand, the complement: ATR is on the minus strand). VCF-style: chr3-142561375-T-C. GRCh37 (hg19) VCF-style: chr3-142280217-T-C.
Other names: c.1217A>G, p.Glu406Gly (NM_001354579.2); short protein forms E406G.
Identifiers: ClinVar variation 1751897 (VCV001751897.8), dbSNP rs1264159749, ClinGen allele CA354823397.

ClinVar aggregate classification (germline): Uncertain significance. Review status: criteria provided, multiple submitters, no conflicts (2 of 4 stars). 2 submissions from 2 submitters: Uncertain significance (2). Last evaluated 2025-10-01.

Conditions:
Inborn genetic diseases. Identifiers: MedGen C0950123, MeSH D030342.

Allele frequency attached by ClinVar (database versions not stated): TOPMed below 0.00001; gnomAD 0.00001; gnomAD exomes 0.00001.
gnomAD v4.1: 13 of 1,613,936 alleles (0.00081%); highest among the groups gnomAD compares: Non-Finnish European, 0.0011%; no homozygotes.

Submissions (2):

CeGaT Center for Human Genetics Tuebingen
Classification: Uncertain significance. Last evaluated: 2025-10-01. Review status: criteria provided, single submitter. Criteria: CeGaT Center For Human Genetics Tuebingen Variant Classification Criteria Version 2. Collection method: clinical testing. Allele origin: germline. Affected: yes. Observed: 1 variant allele.
Comment: ATR: PM2, BP4

Ambry Genetics
Classification: Uncertain significance for Inborn genetic diseases. Last evaluated: 2023-10-13. Review status: criteria provided, single submitter. Criteria: Ambry Variant Classification Scheme 2023. Collection method: clinical testing. Allele origin: germline.
Comment: The p.E406G variant (also known as c.1217A>G), located in coding exon 5 of the ATR gene, results from an A to G substitution at nucleotide position 1217. The glutamic acid at codon 406 is replaced by glycine, an amino acid with similar properties. This amino acid position is conserved. In addition, this alteration is predicted to be tolerated by in silico analysis. Since supporting evidence is limited at this time, the clinical significance of this alteration remains unclear.